The following is an entry in ClinVar:

NM_213595.4(ISCU):c.419-125T>C

Gene: ISCU (iron-sulfur cluster assembly enzyme; plus strand). Cytogenetic location: 12q23.3.
Variant type: single nucleotide variant.
Coding change: c.419-125T>C on transcript NM_213595.4 (MANE Select); 125 bases into the intron before coding-DNA position 419, T replaced by C.
Molecular consequence: intron variant. On other transcripts: 3 prime UTR variant (1).
Genome position (GRCh38, 1-based): chr12:108,568,706, T>C. VCF-style: chr12-108568706-T-C. GRCh37 (hg19) VCF-style: chr12-108962482-T-C.
Other names: c.*1002T>C (NM_001320042.1); c.344-125T>C (NM_014301.4); c.*40-125T>C (NM_001301140.1); c.*45-125T>C (NM_001301141.1).
Identifiers: ClinVar variation 677599 (VCV000677599.2), dbSNP rs78129913, ClinGen allele CA243324466.

ClinVar aggregate classification (germline): Likely benign. Review status: criteria provided, multiple submitters, no conflicts (2 of 4 stars). 2 submissions from 2 submitters: Likely benign (2). Last evaluated 2018-06-14.

Allele frequency attached by ClinVar (database versions not stated): gnomAD exomes 0.00086; 1000 Genomes Project 0.00799; 1000 Genomes Project 30x 0.00874; gnomAD 0.00893 and 0.00973; TOPMed 0.01019.
gnomAD v4.1: 2,604 of 1,523,688 alleles (0.17%); highest among the groups gnomAD compares: African/African-American, 3.1%; 43 homozygotes.

Submissions (2):

GeneDx
Classification: Likely benign. Last evaluated: 2018-06-14. Review status: criteria provided, single submitter. Criteria: GeneDx Variant Classification (06012015). Collection method: clinical testing. Allele origin: germline. Affected: yes.
Comment: This variant is considered likely benign or benign based on one or more of the following criteria: it is a conservative change, it occurs at a poorly conserved position in the protein, it is predicted to be benign by multiple in silico algorithms, and/or has population frequency not consistent with disease.

Breakthrough Genomics
Classification: Likely benign. Review status: criteria provided, single submitter. Criteria: ACMG Guidelines, 2015. Collection method: not provided. Allele origin: germline. Inheritance: Autosomal recessive inheritance. Affected: yes.